The following is an entry in ClinVar:

ClinVar aggregate classification (germline): Benign/Likely benign. Review status: criteria provided, multiple submitters, no conflicts (2 of 4 stars). 9 submissions from 9 submitters: Benign (1); Likely benign (6). 2 of the submissions do not count toward it. Last evaluated 2024-11-01.

Conditions:
GDNF-related disorder. Also called: GDNF-related condition.
Hirschsprung disease, susceptibility to, 3. Identifiers: Orphanet 388, MedGen C3150974, MONDO:0013383, OMIM 613711.

Allele frequency attached by ClinVar (database versions not stated): 1000 Genomes Project 0.00100; 1000 Genomes Project 30x 0.00125; ExAC 0.00221; gnomAD exomes 0.00225 and 0.00367; gnomAD 0.00260 and 0.00272; TOPMed 0.00289.

Submissions (9):

CeGaT Center for Human Genetics Tuebingen
Classification: Likely benign. Last evaluated: 2024-11-01. Review status: criteria provided, single submitter. Criteria: CeGaT Center For Human Genetics Tuebingen Variant Classification Criteria Version 2. Collection method: clinical testing. Allele origin: germline. Affected: yes. Observed: 5 variant alleles.
Comment: GDNF: BS2

Labcorp Genetics (formerly Invitae), Labcorp
Classification: Likely benign. Last evaluated: 2024-01-31. Review status: criteria provided, single submitter. Criteria: Invitae Variant Classification Sherloc (09022015). Collection method: clinical testing. Allele origin: germline.

Department of Pathology and Laboratory Medicine, Sinai Health System
Classification: Benign for Hirschsprung disease, susceptibility to, 3. Last evaluated: 2023-02-06. Review status: criteria provided, single submitter. Criteria: ACMG Guidelines, 2015. Collection method: research. Allele origin: germline.

Fulgent Genetics
Classification: Likely benign for Hirschsprung disease, susceptibility to, 3. Last evaluated: 2022-04-03. Review status: criteria provided, single submitter. Criteria: ACMG Guidelines, 2015. Collection method: clinical testing. Allele origin: unknown.

Illumina Laboratory Services, Illumina
Classification: Likely benign for Hirschsprung disease, susceptibility to, 3. Last evaluated: 2017-04-27. Review status: criteria provided, single submitter. Criteria: ICSL Variant Classification Criteria 13 December 2019. Collection method: clinical testing. Allele origin: germline.
Comment: This variant was observed as part of a predisposition screen in an ostensibly healthy population. A literature search was performed for the gene, cDNA change, and amino acid change (where applicable). Publications were found based on this search. The evidence from the literature, in combination with allele frequency data from public databases where available, was sufficient to determine this variant is unlikely to cause disease. Therefore, this variant is classified as likely benign.

Laboratory for Molecular Medicine, Mass General Brigham Personalized Medicine
Classification: Likely benign. Last evaluated: 2014-09-10. Review status: criteria provided, single submitter. Criteria: LMM Criteria. Collection method: clinical testing. Allele origin: germline. Observed: 1 variant allele.
Comment: Arg110Trp in exon 3 of GDNF: This variant has been reported in individuals with various phenotypes including pulmonary presentations (see below). However, it i s not expected to cause disease on its own because it has been identified in 0.3 % (28/8600) of European American chromosomes by the NHLBI Exome Sequencing Proje ct (dbSNP rs36119840). Phenotypes of individu als reported to carry this variant include isolated congenital central hypoventi lation syndrome, sporadic pheochromocytoma, Hirschsprung disease, and congenital anomalies of the kidney or urinary tract (reported as Arg93Trp; Angrist 1996, S olomon 1996, Woodward 1997, Amiel 1998, Amiel 2003, Chatterjee 2012). In vitro f unctional studies provide some evidence that the Arg110Trp variant may not impac t protein function (reported as Arg93Trp; Eketjall 2002). In summary, this varia nt is not expected to be disease-causing when seen in isolation, though a modify ing role cannot be fully excluded.

Breakthrough Genomics
Classification: Likely benign. Review status: criteria provided, single submitter. Criteria: ACMG Guidelines, 2015. Collection method: not provided. Allele origin: germline. Inheritance: Autosomal dominant inheritance. Affected: yes.

PreventionGenetics, part of Exact Sciences
Classification: Likely benign for GDNF-related condition. Last evaluated: 2021-04-22. Review status: no assertion criteria provided. Collection method: clinical testing. Allele origin: germline. Not counted in ClinVar's aggregate classification.
Comment: This variant is classified as likely benign based on ACMG/AMP sequence variant interpretation guidelines (Richards et al. 2015 PMID: 25741868, with internal and published modifications).

OMIM
Classification: risk factor for HIRSCHSPRUNG DISEASE, SUSCEPTIBILITY TO, 3. Last evaluated: 2003-04-01. Review status: no assertion criteria provided. Collection method: literature only. Allele origin: germline. Not counted in ClinVar's aggregate classification.

Literature cited by the submitters: PubMed 11565554 (cited by Illumina Laboratory Services, Illumina); PubMed 8896569 (cited by 3 submitters); PubMed 9497256 (cited by 3 submitters); PubMed 9215674 (cited by Illumina Laboratory Services, Illumina and Laboratory for Molecular Medicine, Mass General Brigham Personalized Medicine); PubMed 19184120 (cited by Illumina Laboratory Services, Illumina and Laboratory for Molecular Medicine, Mass General Brigham Personalized Medicine); PubMed 11823451 (cited by Illumina Laboratory Services, Illumina and Laboratory for Molecular Medicine, Mass General Brigham Personalized Medicine); PubMed 22729463 (cited by Illumina Laboratory Services, Illumina and Laboratory for Molecular Medicine, Mass General Brigham Personalized Medicine); PubMed 8896568 (cited by 3 submitters); PubMed 12640453 (cited by Laboratory for Molecular Medicine, Mass General Brigham Personalized Medicine and OMIM).

NM_000514.4(GDNF):c.277C>T (p.Arg93Trp)

Gene: GDNF (glial cell derived neurotrophic factor; minus strand). Cytogenetic location: 5p13.2.
Variant type: single nucleotide variant.
Coding change: c.277C>T on transcript NM_000514.4 (MANE Select); coding-DNA position 277, C replaced by T.
Protein change: p.Arg93Trp; replaces arginine 93 with tryptophan.
Molecular consequence: missense variant.
Genome position (GRCh38, 1-based): chr5:37,816,010, G>A on the plus strand (C>T on the coding strand, the complement: GDNF is on the minus strand). VCF-style: chr5-37816010-G-A. GRCh37 (hg19) VCF-style: chr5-37816112-G-A.
Other names: c.328C>T, p.Arg110Trp (NM_001190468.1); c.250C>T, p.Arg84Trp (NM_001190469.1); c.121C>T, p.Arg41Trp (NM_001278098.1); c.199C>T, p.Arg67Trp (NM_199231.2); short protein forms R93W, R110W, R41W, R84W, R67W.
Identifiers: ClinVar variation 8758 (VCV000008758.42), dbSNP rs36119840, ClinGen allele CA119895.